The following is an entry in ClinVar:

NM_000245.4(MET):c.535G>T (p.Ala179Ser)

Gene: MET (MET proto-oncogene, receptor tyrosine kinase; plus strand). Cytogenetic location: 7q31.2.
Variant type: single nucleotide variant.
Coding change: c.535G>T on transcript NM_000245.4 (MANE Select); coding-DNA position 535, G replaced by T.
Protein change: p.Ala179Ser; replaces alanine 179 with serine.
Molecular consequence: missense variant. On other transcripts: intron variant (1).
Genome position (GRCh38, 1-based): chr7:116,699,619, G>T. VCF-style: chr7-116699619-G-T. GRCh37 (hg19) VCF-style: chr7-116339673-G-T.
Other names: c.535G>T, p.Ala179Ser (NM_001127500.3, NM_001324401.3); c.-91+27042G>T (NM_001324402.2); short protein forms A179S.
Identifiers: ClinVar variation 524865 (VCV000524865.10), dbSNP rs753697730, ClinGen allele CA368969296.
Genomic context (GRCh38, chr7:116,699,619, plus strand): 5'-CACTGCATATTCTCCCCACAGATAGAAGAGCCCAGCCAGTGTCCTGACTGTGTGGTGAGC[G>T]CCCTGGGAGCCAAAGTCCTTTCATCTGTAAAGGACCGGTTCATCAACTTCTTTGTAGGCA-3'
Protein context (NP_000236.2, residues 169-189): PSQCPDCVVS[Ala179Ser]LGAKVLSSVK

ClinVar aggregate classification (germline): Uncertain significance (1 of 4 stars; one submission).

Conditions:
Renal cell carcinoma. Identifiers: Orphanet 217071, MedGen C0007134, MeSH D002292, MONDO:0005086, HP:0005584.

Submission:

Labcorp Genetics (formerly Invitae), Labcorp
Classification: Uncertain significance for Renal cell carcinoma. Last evaluated: 2017-09-05. Review status: criteria provided, single submitter. Criteria: Invitae Variant Classification Sherloc (09022015). Collection method: clinical testing. Allele origin: germline.
Comment: This sequence change replaces alanine with serine at codon 179 of the MET protein (p.Ala179Ser). The alanine residue is weakly conserved and there is a moderate physicochemical difference between alanine and serine. In summary, the available evidence is currently insufficient to determine the role of this variant in disease. Therefore, it has been classified as a Variant of Uncertain Significance. Algorithms developed to predict the effect of missense changes on protein structure and function (SIFT, PolyPhen-2, Align-GVGD) all suggest that this variant is likely to be tolerated, but these predictions have not been confirmed by published functional studies and their clinical significance is uncertain. This variant has not been reported in the literature in individuals with MET-related disease. This variant is not present in population databases (ExAC no frequency).